The following is an entry in ClinVar:

ClinVar aggregate classification (germline): Conflicting classifications of pathogenicity. Review status: criteria provided, conflicting classifications (1 of 4 stars). 5 submissions from 5 submitters: Uncertain significance (1); Benign (1); Likely benign (2). 1 of the submissions does not count toward it. Last evaluated 2025-11-17.

Conditions:
Tooth agenesis, selective, 3 (STHAG3). Also called: HYPODONTIA/OLIGODONTIA 3. Identifiers: Orphanet 99798, MedGen C1970291, MONDO:0011477, OMIM 604625. Disease mechanism: loss of function.
PAX9-related disorder. Also called: PAX9-related condition.
Hypodontia. Also called: Partial congenital absence of teeth; Tooth agenesis, selective. Identifiers: Orphanet 99798, MedGen C0020608, MONDO:0005486, HP:0000668. Disease mechanism: loss of function.

Allele frequency attached by ClinVar (database versions not stated): ExAC 0.00119; 1000 Genomes Project 30x 0.00125; gnomAD exomes 0.00125 and 0.00187; gnomAD 0.00137 and 0.00142; 1000 Genomes Project 0.00140; TOPMed 0.00145; ESP Exome Variant Server 0.00146.
gnomAD v4.1: 2,945 of 1,612,952 alleles (0.18%); highest among the groups gnomAD compares: Non-Finnish European, 0.21%; 3 homozygotes.

Submissions (5):

Labcorp Genetics (formerly Invitae), Labcorp
Classification: Benign for Hypodontia. Last evaluated: 2025-11-17. Review status: criteria provided, single submitter. Criteria: Invitae Variant Classification Sherloc (09022015). Collection method: clinical testing. Allele origin: germline.

Blueprint Genetics
Classification: Likely benign. Last evaluated: 2024-10-04. Review status: criteria provided, single submitter. Criteria: ACMG Guidelines, 2015. Collection method: clinical testing. Allele origin: germline.

CeGaT Center for Human Genetics Tuebingen
Classification: Likely benign. Last evaluated: 2022-07-01. Review status: criteria provided, single submitter. Criteria: CeGaT Center For Human Genetics Tuebingen Variant Classification Criteria Version 2. Collection method: clinical testing. Allele origin: germline. Affected: yes. Observed: 1 variant allele.
Comment: PAX9: BP4, BP7

Illumina Laboratory Services, Illumina
Classification: Uncertain significance for Tooth agenesis, selective, 3. Last evaluated: 2018-01-12. Review status: criteria provided, single submitter. Criteria: ICSL Variant Classification Criteria 13 December 2019. Collection method: clinical testing. Allele origin: germline.

PreventionGenetics, part of Exact Sciences
Classification: Likely benign for PAX9-related condition. Last evaluated: 2020-02-28. Review status: no assertion criteria provided. Collection method: clinical testing. Allele origin: germline. Not counted in ClinVar's aggregate classification.
Comment: This variant is classified as likely benign based on ACMG/AMP sequence variant interpretation guidelines (Richards et al. 2015 PMID: 25741868, with internal and published modifications).

NM_001372076.1(PAX9):c.609C>T (p.Gly203=)

Gene: PAX9 (paired box 9; plus strand). Cytogenetic location: 14q13.3.
Variant type: single nucleotide variant.
Coding change: c.609C>T on transcript NM_001372076.1 (MANE Select); coding-DNA position 609, C replaced by T.
Protein change: p.Gly203=; no amino-acid change (glycine 203 retained).
Molecular consequence: synonymous variant.
Genome position (GRCh38, 1-based): chr14:36,663,501, C>T. VCF-style: chr14-36663501-C-T. GRCh37 (hg19) VCF-style: chr14-37132706-C-T.
Other names: c.609C>T, p.Gly203= (NM_006194.4).
Identifiers: ClinVar variation 456653 (VCV000456653.45), dbSNP rs61754301, ClinGen allele CA7159011.